The following is an entry in ClinVar:

ClinVar aggregate classification (germline): Likely pathogenic (1 of 4 stars; one submission).

Conditions:
Structural heart defects and renal anomalies syndrome (SHDRA). Identifiers: Orphanet 689822, MedGen C4479549, MONDO:0044321, OMIM 617478.

Submission:

Juno Genomics, Hangzhou Juno Genomics, Inc
Classification: Likely pathogenic for Structural heart defects and renal anomalies syndrome. Review status: criteria provided, single submitter. Criteria: ACMG Guidelines, 2015. Collection method: clinical testing. Allele origin: germline. Affected: yes.
Comment: Null variant in a gene where loss of function (LOF) is a known mechanism of disease.;Absent from controls (or at extremely low frequency if recessive) in Genome Aggregation Database, Exome Sequencing Project, 1000 Genomes Project, or Exome Aggregation Consortium.

NM_017799.4(TMEM260):c.814del (p.Leu272fs)

Gene: TMEM260 (transmembrane protein 260; plus strand). Cytogenetic location: 14q22.3.
Variant type: Deletion.
Coding change: c.814del on transcript NM_017799.4 (MANE Select); coding-DNA position 814, one base deleted (C; older notation c.814delC).
Protein change: p.Leu272fs; shifts the reading frame from leucine 272.
Molecular consequence: frameshift variant.
Genome position (GRCh38, 1-based): chr14:56,609,283, C deleted; the last of 2 consecutive C bases (chr14:56,609,282-56,609,283); deleting either gives the same sequence. VCF-style (leftmost placement, unchanged base first): chr14-56609281-GC-G. GRCh37 (hg19) VCF-style: chr14-57075999-GC-G.
Other names: short protein forms L272fs.
Identifiers: ClinVar variation 3383049 (VCV003383049.2).
Genomic context (GRCh38, chr14:56,609,281, plus strand): 5'-ACCAGACAACACTGCAAGGATTTTTGACACATTTTCTCAGGGAAGAATATGGAACCTTCA[GC>G]CTGGTAAATTCAGATTTAAAGCCCTTCTAAGGAAACAAGTGGCAAAACTTCAGTGCTCTG-3'